The following is an entry in ClinVar:

NM_000540.3(RYR1):c.10618T>A (p.Tyr3540Asn)

Gene: RYR1 (ryanodine receptor 1; plus strand). Cytogenetic location: 19q13.2.
Variant type: single nucleotide variant.
Coding change: c.10618T>A on transcript NM_000540.3 (MANE Select); coding-DNA position 10618, T replaced by A.
Protein change: p.Tyr3540Asn; replaces tyrosine 3540 with asparagine.
Molecular consequence: missense variant.
Genome position (GRCh38, 1-based): chr19:38,525,494, T>A. VCF-style: chr19-38525494-T-A. GRCh37 (hg19) VCF-style: chr19-39016134-T-A.
Other names: c.10603T>A, p.Tyr3535Asn (NM_001042723.2); short protein forms Y3540N, Y3535N.
Identifiers: ClinVar variation 652554 (VCV000652554.2), dbSNP rs1600922219, ClinGen allele CA405644010.

ClinVar aggregate classification (germline): Uncertain significance (1 of 4 stars; one submission).

Conditions:
RYR1-related disorder. Also called: RYR1-related disorders; RYR1-related condition. Identifiers: MedGen CN239331.

Submission:

Labcorp Genetics (formerly Invitae), Labcorp
Classification: Uncertain significance for RYR1-Related Disorders. Last evaluated: 2019-04-08. Review status: criteria provided, single submitter. Criteria: Invitae Variant Classification Sherloc (09022015). Collection method: clinical testing. Allele origin: germline.
Comment: This sequence change replaces tyrosine with asparagine at codon 3540 of the RYR1 protein (p.Tyr3540Asn). The tyrosine residue is highly conserved and there is a large physicochemical difference between tyrosine and asparagine. This variant is not present in population databases (ExAC no frequency). This variant has not been reported in the literature in individuals with RYR1-related conditions. Algorithms developed to predict the effect of missense changes on protein structure and function are either unavailable or do not agree on the potential impact of this missense change (SIFT: "Deleterious"; PolyPhen-2: "Benign"; Align-GVGD: "Class C0"). In summary, the available evidence is currently insufficient to determine the role of this variant in disease. Therefore, it has been classified as a Variant of Uncertain Significance.